The following is an entry in ClinVar:

NM_003640.5(ELP1):c.231G>C (p.Leu77Phe)

Gene: ELP1 (elongator acetyltransferase complex subunit 1; minus strand). Cytogenetic location: 9q31.3.
Variant type: single nucleotide variant.
Coding change: c.231G>C on transcript NM_003640.5 (MANE Select); coding-DNA position 231, G replaced by C.
Protein change: p.Leu77Phe; replaces leucine 77 with phenylalanine.
Molecular consequence: missense variant. On other transcripts: 5 prime UTR variant (2).
Genome position (GRCh38, 1-based): chr9:108,929,841, C>G on the plus strand (G>C on the coding strand, the complement: ELP1 is on the minus strand). VCF-style: chr9-108929841-C-G. GRCh37 (hg19) VCF-style: chr9-111692121-C-G.
Other names: c.231G>C (NM_003640.4); c.-112G>C (NM_001318360.2); c.-629G>C (NM_001330749.2); short protein forms L77F.
Identifiers: ClinVar variation 968127 (VCV000968127.6), dbSNP rs1241114854, ClinGen allele CA374394118.
Genomic context (GRCh38, chr9:108,929,841, plus strand): 5'-GAGACTGCAGAGTATGACGTCTCCAGAGGCTGTGGCCACACACACAGACTCCTGATCCAG[C>G]AAGTCCTGAACACCAACAATGCGGCCACTTCCATCCTCTGGGAGAAAGCCTTCTGCCACC-3'
Protein context (NP_003631.2, residues 67-87): GSGRIVGVQD[Leu77Phe]LDQESVCVAT

ClinVar aggregate classification (germline): Uncertain significance. Review status: criteria provided, multiple submitters, no conflicts (2 of 4 stars). 4 submissions from 4 submitters: Uncertain significance (3). 1 of the submissions does not count toward it. Last evaluated 2026-04-14.

Conditions:
ELP1-related disorder. Also called: ELP1-related condition.
Familial dysautonomia. Also called: FD; HSAN III. Identifiers: Orphanet 1764, MedGen C0013364, MONDO:0009131, OMIM 223900. Disease mechanism: loss of function.

Allele frequency attached by ClinVar (database versions not stated): gnomAD exomes below 0.00001 and 0.00001; gnomAD 0.00002; TOPMed 0.00002.
gnomAD v4.1: 11 of 1,613,856 alleles (0.00068%); highest among the groups gnomAD compares: African/African-American, 0.0013%; no homozygotes.

Submissions (4):

PreventionGenetics, part of Exact Sciences
Classification: Uncertain significance for ELP1-related condition. Last evaluated: 2026-04-14. Review status: criteria provided, single submitter. Criteria: ACMG Guidelines, 2015. Collection method: clinical testing. Allele origin: germline.
Comment: The ELP1 c.231G>C variant is predicted to result in the amino acid substitution p.Leu77Phe. To our knowledge, this variant has not been reported in the literature. This variant is reported in 0.0040% of alleles in individuals of African descent in gnomAD. At this time, the clinical significance of this variant is uncertain due to the absence of conclusive functional and genetic evidence.

Ambry Genetics
Classification: Uncertain significance. Last evaluated: 2023-09-25. Review status: criteria provided, single submitter. Criteria: Ambry Variant Classification Scheme 2023. Collection method: clinical testing. Allele origin: germline.

Labcorp Genetics (formerly Invitae), Labcorp
Classification: Uncertain significance. Last evaluated: 2022-06-09. Review status: criteria provided, single submitter. Criteria: Invitae Variant Classification Sherloc (09022015). Collection method: clinical testing. Allele origin: germline.
Comment: This sequence change replaces leucine, which is neutral and non-polar, with phenylalanine, which is neutral and non-polar, at codon 77 of the ELP1 protein (p.Leu77Phe). This variant is present in population databases (no rsID available, gnomAD 0.004%). This variant has not been reported in the literature in individuals affected with ELP1-related conditions. ClinVar contains an entry for this variant (Variation ID: 968127). Algorithms developed to predict the effect of missense changes on protein structure and function (SIFT, PolyPhen-2, Align-GVGD) all suggest that this variant is likely to be tolerated. In summary, the available evidence is currently insufficient to determine the role of this variant in disease. Therefore, it has been classified as a Variant of Uncertain Significance.

Natera, Inc.
Classification: Uncertain significance for Familial dysautonomia. Last evaluated: 2020-06-23. Review status: no assertion criteria provided. Collection method: clinical testing. Allele origin: germline. Not counted in ClinVar's aggregate classification.